The following is an entry in ClinVar:

ClinVar aggregate classification (germline): Uncertain significance (1 of 4 stars; one submission).

Conditions:
Dyskeratosis congenita, autosomal recessive 6 (DKCB6). Identifiers: MedGen C4225356, MONDO:0014600, OMIM 616353.
Pulmonary fibrosis and/or bone marrow failure, Telomere-related, 4. Also called: PULMONARY FIBROSIS AND/OR BONE MARROW FAILURE SYNDROME, TELOMERE-RELATED, 4. Identifiers: Orphanet 2032, MedGen C4225347, MONDO:0014612, OMIM 616371.

Submission:

Labcorp Genetics (formerly Invitae), Labcorp
Classification: Uncertain significance for Dyskeratosis congenita, autosomal recessive 6; Pulmonary fibrosis and/or bone marrow failure, Telomere-related, 4. Last evaluated: 2023-08-24. Review status: criteria provided, single submitter. Criteria: Invitae Variant Classification Sherloc (09022015). Collection method: clinical testing. Allele origin: germline.
Comment: This sequence change falls in intron 4 of the PARN gene. It does not directly change the encoded amino acid sequence of the PARN protein. This variant is not present in population databases (gnomAD no frequency). This variant has not been reported in the literature in individuals affected with PARN-related conditions. In summary, the available evidence is currently insufficient to determine the role of this variant in disease. Therefore, it has been classified as a Variant of Uncertain Significance.

NM_002582.4(PARN):c.245+10_245+34del

Gene: PARN (poly(A)-specific ribonuclease; minus strand). Cytogenetic location: 16p13.12.
Variant type: Deletion.
Coding change: c.245+10_245+34del on transcript NM_002582.4 (MANE Select); bases 10 to 34 of the intron after coding-DNA position 245, 25 bases deleted (GTTAACAAACGTTGGGAATTCCGTT).
Molecular consequence: intron variant.
Genome position (GRCh38, 1-based): chr16:14,627,235-14,627,259, AACGGAATTCCCAACGTTTGTTAAC deleted on the plus strand (GTTAACAAACGTTGGGAATTCCGTT on the coding strand, the reverse complement: PARN is on the minus strand); deleting any 25 consecutive bases within chr16:14,627,235-14,627,260 gives the same sequence; the c. name uses the placement nearest the transcript's 3' end. VCF-style (leftmost placement, unchanged base first): chr16-14627234-AAACGGAATTCCCAACGTTTGTTAAC-A. GRCh37 (hg19) VCF-style: chr16-14721091-AAACGGAATTCCCAACGTTTGTTAAC-A.
Other names: c.62+10_62+34del (NM_001134477.3); c.159-123_159-99del (NM_001242992.2).
Identifiers: ClinVar variation 2951043 (VCV002951043.3), dbSNP rs2508626765, ClinGen allele CA2740093264.
Genomic context (GRCh38, chr16:14,627,234, plus strand): 5'-ACTTCGTTATATACCTGGGATAAGATAAAAGGAGACTTAGGAGGTGACATTGTGCCACAA[AAACGGAATTCCCAACGTTTGTTAAC>A]ACAACCTACTTTGAATCTGTGTAGTCATACTTAAAAGTGCAAAGGCCAAACTGAAATAGC-3'